The following is an entry in ClinVar:

ClinVar aggregate classification (germline): Likely pathogenic (1 of 4 stars; one submission).

Submission:

Labcorp Genetics (formerly Invitae), Labcorp
Classification: Likely pathogenic. Last evaluated: 2021-08-22. Review status: criteria provided, single submitter. Criteria: Invitae Variant Classification Sherloc (09022015). Collection method: clinical testing. Allele origin: germline.
Comment: This sequence change replaces isoleucine with serine at codon 183 of the KRT5 protein (p.Ile183Ser). The isoleucine residue is highly conserved and there is a large physicochemical difference between isoleucine and serine. This variant is not present in population databases (ExAC no frequency). This variant has been observed in individual(s) with autosomal dominant epidermolysis bullosa simplex (Invitae). Advanced modeling of protein sequence and biophysical properties (such as structural, functional, and spatial information, amino acid conservation, physicochemical variation, residue mobility, and thermodynamic stability) performed at Invitae indicates that this missense variant is expected to disrupt KRT5 protein function. Algorithms developed to predict the effect of sequence changes on RNA splicing suggest that this variant may create or strengthen a splice site. This variant disrupts the p.Ile183 amino acid residue in KRT5. Other variant(s) that disrupt this residue have been determined to be pathogenic (PMID: 16098032; Invitae). This suggests that this residue is clinically significant, and that variants that disrupt this residue are likely to be disease-causing. In summary, the currently available evidence indicates that the variant is pathogenic, but additional data are needed to prove that conclusively. Therefore, this variant has been classified as Likely Pathogenic.

Literature cited by the submitters: PubMed 16098032.

NM_000424.4(KRT5):c.548T>G (p.Ile183Ser)

Gene: KRT5 (keratin 5; minus strand). Cytogenetic location: 12q13.13.
Variant type: single nucleotide variant.
Coding change: c.548T>G on transcript NM_000424.4 (MANE Select); coding-DNA position 548, T replaced by G.
Protein change: p.Ile183Ser; replaces isoleucine 183 with serine.
Molecular consequence: missense variant.
Genome position (GRCh38, 1-based): chr12:52,519,749, A>C on the plus strand (T>G on the coding strand, the complement: KRT5 is on the minus strand). VCF-style: chr12-52519749-A-C. GRCh37 (hg19) VCF-style: chr12-52913533-A-C.
Other names: short protein forms I183S.
Identifiers: ClinVar variation 1502324 (VCV001502324.6), dbSNP rs267607661, ClinGen allele CA384928734.
Genomic context (GRCh38, chr12:52,519,749, plus strand): 5'-TTTGGCATTTATTTCAGACCCACAGTGATTTTTTACAAAAGATCGTAGCTCACCTTGTCG[A>C]TGAAGGAGGCAAACTTATTGTTGAGGGTCTTGATCTGCTCGCGCTCCTCGGTCCTCACCC-3'
Protein context (NP_000415.2, residues 173-193): KTLNNKFASF[Ile183Ser]DKVRFLEQQN